The following is an entry in ClinVar:

ClinVar aggregate classification (germline): Uncertain significance (1 of 4 stars; one submission).

Conditions:
Inborn genetic diseases. Identifiers: MedGen C0950123, MeSH D030342.

gnomAD v4.1: 1 of 1,599,182 alleles (0.000063%); highest among the groups gnomAD compares: South Asian, 0.0011%; no homozygotes.

Submission:

Ambry Genetics
Classification: Uncertain significance for Inborn genetic diseases. Last evaluated: 2025-07-24. Review status: criteria provided, single submitter. Criteria: Ambry Variant Classification Scheme 2023. Collection method: clinical testing. Allele origin: germline.
Comment: The p.I608M variant (also known as c.1824A>G), located in coding exon 11 of the FANCM gene, results from an A to G substitution at nucleotide position 1824. The isoleucine at codon 608 is replaced by methionine, an amino acid with highly similar properties. This amino acid position is conserved. In addition, this alteration is predicted to be tolerated by in silico analysis. Based on the available evidence, the clinical significance of this variant remains unclear.

NM_020937.4(FANCM):c.1824A>G (p.Ile608Met)

Gene: FANCM (FA complementation group M; plus strand). Cytogenetic location: 14q21.2.
Variant type: single nucleotide variant.
Coding change: c.1824A>G on transcript NM_020937.4 (MANE Select); coding-DNA position 1824, A replaced by G.
Protein change: p.Ile608Met; replaces isoleucine 608 with methionine.
Molecular consequence: missense variant.
Genome position (GRCh38, 1-based): chr14:45,166,985, A>G. VCF-style: chr14-45166985-A-G. GRCh37 (hg19) VCF-style: chr14-45636188-A-G.
Other names: c.1746A>G, p.Ile582Met (NM_001308133.2); c.1824A>G, p.Ile608Met (NM_001308134.2); short protein forms I582M, I608M.
Identifiers: ClinVar variation 4254609 (VCV004254609.1).
Genomic context (GRCh38, chr14:45,166,985, plus strand): 5'-TGACATTTTCTATTTGTTTTTACAGATTTATAATCAGAGTCAGTCCAACAAAAGAAGTAT[A>G]TATAAAGCTATTTCAAGTAACAGGCAGGTCCTTCATTTTTACCAAAGAAGTCCACGAATG-3'
Protein context (NP_065988.1, residues 598-618): YNQSQSNKRS[Ile608Met]YKAISSNRQV